The following is an entry in ClinVar:

ClinVar aggregate classification (germline): Likely pathogenic. Review status: criteria provided, multiple submitters, no conflicts (2 of 4 stars). 4 submissions from 4 submitters: Likely pathogenic (4). Last evaluated 2025-10-06.

Conditions:
CD55-related disorder. Also called: CD55-related condition.

Allele frequency attached by ClinVar (database versions not stated): ESP Exome Variant Server 0.00008.
gnomAD v4.1: 42 of 1,593,976 alleles (0.0026%); highest among the groups gnomAD compares: Non-Finnish European, 0.0032%; no homozygotes.

Submissions (4):

Labcorp Genetics (formerly Invitae), Labcorp
Classification: Likely pathogenic. Last evaluated: 2025-10-06. Review status: criteria provided, single submitter. Criteria: Invitae Variant Classification Sherloc (09022015). Collection method: clinical testing. Allele origin: germline.
Comment: This sequence change affects a donor splice site in intron 2 of the CD55 gene. It is expected to disrupt RNA splicing. Variants that disrupt the donor or acceptor splice site typically lead to a loss of protein function (PMID: 16199547), and loss-of-function variants in CD55 are known to be pathogenic (PMID: 28657829, 28657861). This variant is present in population databases (rs376304458, gnomAD 0.009%). Disruption of this splice site has been observed in individual(s) with clinical features of CHAPLE syndrome (PMID: 35134932). ClinVar contains an entry for this variant (Variation ID: 1520269). Algorithms developed to predict the effect of sequence changes on RNA splicing suggest that this variant may disrupt the consensus splice site. In summary, the currently available evidence indicates that the variant is pathogenic, but additional data are needed to prove that conclusively. Therefore, this variant has been classified as Likely Pathogenic.

Revvity Omics, Revvity
Classification: Likely pathogenic. Last evaluated: 2025-06-12. Review status: criteria provided, single submitter. Criteria: ACMG Guidelines, 2015. Collection method: clinical testing. Allele origin: germline.

Center for Genomic Medicine, Rigshospitalet, Copenhagen University Hospital
Classification: Likely pathogenic. Last evaluated: 2025-03-04. Review status: criteria provided, single submitter. Criteria: ACMG Guidelines, 2015. Collection method: clinical testing. Allele origin: germline.

PreventionGenetics, part of Exact Sciences
Classification: Likely pathogenic for CD55-related condition. Last evaluated: 2023-03-17. Review status: criteria provided, single submitter. Criteria: ACMG Guidelines, 2015. Collection method: clinical testing. Allele origin: germline.
Comment: The CD55 c.286+1G>A variant is predicted to disrupt the GT donor site and interfere with normal splicing. To our knowledge, this variant has not been reported in the literature. This variant is reported in 0.0081% of alleles in individuals of European (Finnish) descent in gnomAD. Variants that disrupt the consensus splice donor site in CD55 are expected to be pathogenic. This variant is interpreted as likely pathogenic.

Literature cited by the submitters: PubMed 16199547 (cited by Labcorp Genetics (formerly Invitae), Labcorp); PubMed 28657829 (cited by Labcorp Genetics (formerly Invitae), Labcorp); PubMed 28657861 (cited by Labcorp Genetics (formerly Invitae), Labcorp); PubMed 35134932 (cited by Labcorp Genetics (formerly Invitae), Labcorp); PubMed 35748970 (cited by Center for Genomic Medicine, Rigshospitalet, Copenhagen University Hospital).

NM_000574.5(CD55):c.286+1G>A

Gene: CD55 (CD55 molecule (Cromer blood group); plus strand). Cytogenetic location: 1q32.2.
Variant type: single nucleotide variant.
Coding change: c.286+1G>A on transcript NM_000574.5 (MANE Select); the canonical splice donor site of the intron after coding-DNA position 286, G replaced by A.
Molecular consequence: splice donor variant.
Genome position (GRCh38, 1-based): chr1:207,322,568, G>A. VCF-style: chr1-207322568-G-A. GRCh37 (hg19) VCF-style: chr1-207495913-G-A.
Other names: c.286+1G>A (NM_001114752.3, NM_001300903.2, NM_001300904.2 and 2 more transcripts).
Identifiers: ClinVar variation 1520269 (VCV001520269.9), dbSNP rs376304458, ClinGen allele CA1367943.